The following is an entry in ClinVar:

ClinVar aggregate classification (germline): Pathogenic (1 of 4 stars; one submission).

Conditions:
Heterotopia, periventricular, X-linked dominant (PVNH1). Also called: PERIVENTRICULAR NODULAR HETEROTOPIA 1; X-linked periventricular heterotopia; PERIVENTRICULAR NODULAR HETEROTOPIA 4; HETEROTOPIA, PERIVENTRICULAR, 1. Identifiers: Orphanet 2149, Orphanet 82004, MedGen C1848213, MONDO:0010233, OMIM 300049.
Oto-palato-digital syndrome, type II (OPD2). Also called: OPD II SYNDROME; FACIOPALATOOSSEOUS SYNDROME; Otopalatodigital Syndrome, Type II; Otopalatodigital Syndrome Type 2 (FLNA-OPD2). Identifiers: Orphanet 669, Orphanet 90652, MedGen C1844696, MONDO:0010571, OMIM 304120.
Melnick-Needles syndrome (MNS). Also called: MELNICK-NEEDLES OSTEODYSPLASTY; OSTEODYSPLASTY OF MELNICK AND NEEDLES; Melnick-Needles Syndrome (FLNA-MNS). Identifiers: Orphanet 2484, MedGen C0025237, MONDO:0010650, OMIM 309350.
Frontometaphyseal dysplasia (FMD1). Identifiers: Orphanet 1826, MedGen C0265293, MONDO:0015942.

Submission:

Labcorp Genetics (formerly Invitae), Labcorp
Classification: Pathogenic for Oto-palato-digital syndrome, type II; Heterotopia, periventricular, X-linked dominant; Frontometaphyseal dysplasia; Melnick-Needles syndrome. Last evaluated: 2020-05-30. Review status: criteria provided, single submitter. Criteria: Invitae Variant Classification Sherloc (09022015). Collection method: clinical testing. Allele origin: germline.
Comment: This sequence change creates a premature translational stop signal (p.Val983Glyfs*45) in the FLNA gene. It is expected to result in an absent or disrupted protein product. This variant is not present in population databases (ExAC no frequency). This variant has not been reported in the literature in individuals with FLNA-related conditions. Loss-of-function variants in FLNA are known to be pathogenic (PMID: 16684786, 20730588, 26471271). For these reasons, this variant has been classified as Pathogenic.

Literature cited by the submitters: PubMed 16684786; PubMed 20730588; PubMed 26471271.

NM_001110556.2(FLNA):c.2947dup (p.Val983fs)

Gene: FLNA (filamin A; minus strand). Cytogenetic location: Xq28.
Variant type: Duplication.
Coding change: c.2947dup on transcript NM_001110556.2 (MANE Select); coding-DNA position 2947, one base duplicated (G; older notation c.2947dupG).
Protein change: p.Val983fs; shifts the reading frame from valine 983.
Molecular consequence: frameshift variant.
Genome position (GRCh38, 1-based): chrX:154,361,568, C duplicated on the plus strand (G on the coding strand, the reverse complement: FLNA is on the minus strand); the first of 2 consecutive C bases (chrX:154,361,568-154,361,569); duplicating either gives the same sequence. VCF-style (leftmost placement, unchanged base first): chrX-154361567-A-AC. GRCh37 (hg19) VCF-style: chrX-153589935-A-AC.
Other names: c.2947dup, p.Val983fs (NM_001456.4); short protein forms V983fs.
Identifiers: ClinVar variation 1070361 (VCV001070361.7), dbSNP rs2148113628, ClinGen allele CA2499226489.